The following is an entry in ClinVar:

NM_003282.4(TNNI2):c.-23+19C>T

Gene: TNNI2 (troponin I2, fast skeletal type; plus strand). Cytogenetic location: 11p15.5.
Variant type: single nucleotide variant.
Coding change: c.-23+19C>T on transcript NM_003282.4 (MANE Select); 19 bases into the intron after 23 bases upstream of the start codon, C replaced by T.
Molecular consequence: intron variant.
Genome position (GRCh38, 1-based): chr11:1,839,052, C>T. VCF-style: chr11-1839052-C-T. GRCh37 (hg19) VCF-style: chr11-1860282-C-T.
Identifiers: ClinVar variation 511889 (VCV000511889.1), dbSNP rs368028720, ClinGen allele CA216203524.

ClinVar aggregate classification (germline): Likely benign (1 of 4 stars; one submission).

Allele frequency attached by ClinVar (database versions not stated): gnomAD 0.00033 and 0.00045; TOPMed 0.00059; 1000 Genomes Project 0.00180; 1000 Genomes Project 30x 0.00187.

Submission:

GeneDx
Classification: Likely benign. Last evaluated: 2017-09-07. Review status: criteria provided, single submitter. Criteria: GeneDx Variant Classification (06012015). Collection method: clinical testing. Allele origin: germline. Affected: yes.
Comment: This variant is considered likely benign or benign based on one or more of the following criteria: it is a conservative change, it occurs at a poorly conserved position in the protein, it is predicted to be benign by multiple in silico algorithms, and/or has population frequency not consistent with disease.